The following is an entry in ClinVar:

ClinVar aggregate classification (germline): Uncertain significance. Review status: criteria provided, multiple submitters, no conflicts (2 of 4 stars). 2 submissions from 2 submitters: Uncertain significance (2). Last evaluated 2021-08-24.

Allele frequency attached by ClinVar (database versions not stated): gnomAD below 0.00001 and 0.00001; gnomAD exomes 0.00001 and 0.00002; TOPMed 0.00001; ExAC 0.00003.

Submissions (2):

Blueprint Genetics
Classification: Uncertain significance. Last evaluated: 2021-08-24. Review status: criteria provided, single submitter. Criteria: ACMG Guidelines, 2015. Collection method: clinical testing. Allele origin: germline.

Labcorp Genetics (formerly Invitae), Labcorp
Classification: Uncertain significance. Last evaluated: 2020-06-16. Review status: criteria provided, single submitter. Criteria: Invitae Variant Classification Sherloc (09022015). Collection method: clinical testing. Allele origin: germline.
Comment: This sequence change replaces methionine with threonine at codon 961 of the RBP3 protein (p.Met961Thr). The methionine residue is moderately conserved and there is a moderate physicochemical difference between methionine and threonine. This variant is present in population databases (rs782697023, ExAC 0.006%). This variant has not been reported in the literature in individuals with RBP3-related conditions. Algorithms developed to predict the effect of missense changes on protein structure and function are either unavailable or do not agree on the potential impact of this missense change (SIFT: "Tolerated"; PolyPhen-2: "Benign"; Align-GVGD: "Class C25"). In summary, the available evidence is currently insufficient to determine the role of this variant in disease. Therefore, it has been classified as a Variant of Uncertain Significance.

NM_002900.3(RBP3):c.2882T>C (p.Met961Thr)

Gene: RBP3 (retinol binding protein 3; plus strand). Cytogenetic location: 10q11.22.
Variant type: single nucleotide variant.
Coding change: c.2882T>C on transcript NM_002900.3 (MANE Select); coding-DNA position 2882, T replaced by C.
Protein change: p.Met961Thr; replaces methionine 961 with threonine.
Molecular consequence: missense variant.
Genome position (GRCh38, 1-based): chr10:47,351,366, T>C. VCF-style: chr10-47351366-T-C. GRCh37 (hg19) VCF-style: chr10-48387996-A-G.
Other names: short protein forms M961T.
Identifiers: ClinVar variation 1017491 (VCV001017491.9), dbSNP rs782697023, ClinGen allele CA5487185.